The following is an entry in ClinVar:

NM_000133.4(F9):c.88+5G>T

Gene: F9 (coagulation factor IX; plus strand). Cytogenetic location: Xq27.1.
Variant type: single nucleotide variant.
Coding change: c.88+5G>T on transcript NM_000133.4 (MANE Select); 5 bases into the intron after coding-DNA position 88, G replaced by T.
Molecular consequence: intron variant.
Genome position (GRCh38, 1-based): chrX:139,530,857, G>T. VCF-style: chrX-139530857-G-T. GRCh37 (hg19) VCF-style: chrX-138613016-G-T.
Other names: NM_000133.3(F9):c.88+5G>T; c.88+5G>T (NM_001313913.2).
Identifiers: ClinVar variation 627156 (VCV000627156.2), dbSNP rs1603263401, ClinGen allele CA915952341.

ClinVar aggregate classification (germline): Likely pathogenic. Review status: reviewed by expert panel (3 of 4 stars). 2 submissions from 2 submitters: Likely pathogenic (1). 1 of the submissions does not count toward it. Last evaluated 2025-03-10.

Conditions:
Hereditary factor VIII deficiency disease (HEMA). Also called: Hemophilia A, congenital; HEM A; Factor 8 deficiency, congenital; HEMOPHILIA, CLASSIC; Hemophilia A; AUTOSOMAL HEMOPHILIA A. Identifiers: Orphanet 98878, MedGen C0019069, MONDO:0010602, OMIM 306700.
Hereditary factor IX deficiency disease (HEMB). Also called: Hemophilia B; F9 DEFICIENCY; FACTOR IX DEFICIENCY; PLASMA THROMBOPLASTIN COMPONENT DEFICIENCY; Christmas Disease. Identifiers: Orphanet 98879, MedGen C0008533, MeSH D002836, MONDO:0010604, OMIM 306900.

Submissions (2):

ClinGen Coagulation Factor Deficiency Variant Curation Expert Panel, Clingen
Classification: Likely pathogenic for Hereditary factor IX deficiency disease. Last evaluated: 2025-03-10. Review status: reviewed by expert panel. Criteria: ClinGen CoagFactor ACMG Specifications F9 V1.0.0. Collection method: curation. Allele origin: germline. Inheritance: X-linked inheritance.
Comment: The F9: c.88+5G>T variant is completely absent in population databases (gnomAD v2.1.1/gnomAD v3.1.2) meeting PM2_Supporting. This intronic variant is predicted to alter splicing based on SpliceAI prediction that the canonical donor site is lost, with a score of 0.91 (>0.5) meeting PP3 criteria. It has been reported in at least 4 probands in the literature with moderate to severe hemophilia B meeting phenotypic criteria for F9 (PMIDs: 31064749, 9452115, 10094553). In summary, this variant meets criteria to be classified as likely pathogenic. ACMG/AMP criteria applied, as specified by the Coagulation Factor Deficiency Variant Curation Expert Panel for F8/F9: PS4, PP3, PM2_Supporting.

NIHR Bioresource Rare Diseases, University of Cambridge
Classification: Likely pathogenic for Hereditary factor VIII deficiency disease. Last evaluated: 2019-02-01. Review status: criteria provided, single submitter. Criteria: ACMG Guidelines, 2015. Collection method: research. Allele origin: unknown. Affected: yes. Observed: 1 hemizygote. Study: ThromboGenomics. Not counted in ClinVar's aggregate classification.

Literature cited by the submitters: PubMed 31064749 (cited by NIHR Bioresource Rare Diseases, University of Cambridge).